The following is an entry in ClinVar:

ClinVar aggregate classification (germline): Conflicting classifications of pathogenicity. Review status: criteria provided, conflicting classifications (1 of 4 stars). 4 submissions from 4 submitters: Uncertain significance (2); Likely benign (1). 1 of the submissions does not count toward it. Last evaluated 2026-01-01.

Conditions:
ABCA1-related disorder. Also called: ABCA1-related disorders; ABCA1-related condition. Identifiers: MedGen CN239173.

Submissions (4):

CeGaT Center for Human Genetics Tuebingen
Classification: Likely benign. Last evaluated: 2026-01-01. Review status: criteria provided, single submitter. Criteria: CeGaT Center For Human Genetics Tuebingen Variant Classification Criteria Version 2. Collection method: clinical testing. Allele origin: germline. Affected: yes. Observed: 4 variant alleles.
Comment: ABCA1: BS2

Women's Health and Genetics/Laboratory Corporation of America, LabCorp
Classification: Uncertain significance. Last evaluated: 2025-10-23. Review status: criteria provided, single submitter. Criteria: LabCorp Variant Classification Summary - May 2015. Collection method: clinical testing. Allele origin: germline.
Comment: Variant summary: ABCA1 c.6205-39delT is located at a position not widely known to affect splicing. Consensus agreement among computation tools predict no significant impact on normal splicing. At least one publication reports experimental evidence that this variant affects mRNA splicing (Hong_2003). The variant allele was found at a frequency of 0.0012 in 220748 control chromosomes in the gnomAD database, including one homozygote. This frequency is not significantly higher than estimated for disease-causing variants in ABCA1, allowing no conclusion about variant significance. c.6205-39delT has been observed in five heterozygous and four compound heterozygous individuals exhibited the lowest HDL-C and ApoA-I in one family (Hong_2003). These reports do not provide unequivocal conclusions about association of the variant with Tangier Disease. The following publication have been ascertained in the context of this evaluation (PMID: 14576201). ClinVar contains an entry for this variant (Variation ID: 1210622). Based on the evidence outlined above, the variant was classified as VUS-possibly pathogenic.

GeneDx
Classification: Uncertain significance. Last evaluated: 2025-01-03. Review status: criteria provided, single submitter. Criteria: GeneDx Variant Classification Process June 2021. Collection method: clinical testing. Allele origin: germline. Affected: yes.
Comment: Fibroblast cDNA sequencing demonstrated skipping of exon 47, which predicts a truncated protein product (PMID: 14576201); This variant is associated with the following publications: (PMID: 34426522, 14576201)

PreventionGenetics, part of Exact Sciences
Classification: Likely benign for ABCA1-related condition. Last evaluated: 2020-01-31. Review status: no assertion criteria provided. Collection method: clinical testing. Allele origin: germline. Not counted in ClinVar's aggregate classification.
Comment: This variant is classified as likely benign based on ACMG/AMP sequence variant interpretation guidelines (Richards et al. 2015 PMID: 25741868, with internal and published modifications).

Literature cited by the submitters: PubMed 14576201 (cited by Women's Health and Genetics/Laboratory Corporation of America, LabCorp).

NM_005502.4(ABCA1):c.6205-39del

Genes: ABCA1 (ATP binding cassette subfamily A member 1; minus strand), NIPSNAP3B (nipsnap homolog 3B; plus strand). Cytogenetic location: 9q31.1.
Variant type: Deletion.
Coding change: c.6205-39del on transcript NM_005502.4 (MANE Select); 39 bases into the intron before coding-DNA position 6205, one base deleted (T; older notation c.6205-39delT).
Molecular consequence: intron variant.
Genome position (GRCh38, 1-based): chr9:104,787,015, A deleted on the plus strand (T on the coding strand, the reverse complement: ABCA1 is on the minus strand); the first of 8 consecutive A bases (chr9:104,787,015-104,787,022); deleting any one gives the same sequence. VCF-style (leftmost placement, unchanged base first): chr9-104787014-GA-G. GRCh37 (hg19) VCF-style: chr9-107549295-GA-G.
Other names: c.6205-39delT (NM_005502.4).
Identifiers: ClinVar variation 1210622 (VCV001210622.24), dbSNP rs572405590, ClinGen allele CA5167602.